The following is an entry in ClinVar:

ClinVar aggregate classification (germline): Uncertain significance. Review status: criteria provided, multiple submitters, no conflicts (2 of 4 stars). 2 submissions from 2 submitters: Uncertain significance (2). Last evaluated 2025-05-17.

Conditions:
Hereditary cancer-predisposing syndrome. Also called: Hereditary neoplastic syndrome; Neoplastic Syndromes, Hereditary; Hereditary Cancer Syndrome; Tumor predisposition. Identifiers: Orphanet 140162, MedGen C0027672, MeSH D009386, MONDO:0015356.
Gastrointestinal stromal tumor. Also called: Gastrointestinal stromal tumor, somatic; Gastrointestinal stroma tumor. Identifiers: Orphanet 44890, MedGen C0238198, MeSH D046152, MONDO:0011719, OMIM 606764, HP:0100723.
Pheochromocytoma/paraganglioma syndrome 3. Also called: GLOMUS TUMORS, FAMILIAL, 3; SDHC-Related Hereditary Paraganglioma-Pheochromocytoma Syndrome; Paragangliomas 3; SDHC-Related Hereditary Paraganglioma-Pheochromocytoma Syndrome (Paragangliomas 3). Identifiers: Orphanet 29072, MedGen C1854336, MONDO:0011544, OMIM 605373.

gnomAD v4.1: 1 of 1,613,104 alleles (0.000062%); highest among the groups gnomAD compares: Admixed American, 0.0017%; no homozygotes.

Submissions (2):

Ambry Genetics
Classification: Uncertain significance for Hereditary cancer-predisposing syndrome. Last evaluated: 2025-05-17. Review status: criteria provided, single submitter. Criteria: Ambry Variant Classification Scheme 2023. Collection method: clinical testing. Allele origin: germline.
Comment: The p.V9F variant (also known as c.25G>T), located in coding exon 2 of the SDHC gene, results from a G to T substitution at nucleotide position 25. The valine at codon 9 is replaced by phenylalanine, an amino acid with highly similar properties. This amino acid position is not well conserved in available vertebrate species. In addition, the in silico prediction for this alteration is inconclusive. Based on the available evidence, the clinical significance of this variant remains unclear.

Labcorp Genetics (formerly Invitae), Labcorp
Classification: Uncertain significance for Pheochromocytoma/paraganglioma syndrome 3; Gastrointestinal stromal tumor. Last evaluated: 2023-06-15. Review status: criteria provided, single submitter. Criteria: Invitae Variant Classification Sherloc (09022015). Collection method: clinical testing. Allele origin: germline.
Comment: This variant has not been reported in the literature in individuals affected with SDHC-related conditions. In summary, the available evidence is currently insufficient to determine the role of this variant in disease. Therefore, it has been classified as a Variant of Uncertain Significance. An algorithm developed to predict the effect of missense changes on protein structure and function (PolyPhen-2) suggests that this variant is likely to be tolerated. ClinVar contains an entry for this variant (Variation ID: 938069). This variant is present in population databases (no rsID available, gnomAD 0.003%). This sequence change replaces valine, which is neutral and non-polar, with phenylalanine, which is neutral and non-polar, at codon 9 of the SDHC protein (p.Val9Phe).

NM_003001.5(SDHC):c.25G>T (p.Val9Phe)

Gene: SDHC (succinate dehydrogenase complex subunit C; plus strand). Cytogenetic location: 1q23.3.
Variant type: single nucleotide variant.
Coding change: c.25G>T on transcript NM_003001.5 (MANE Select); coding-DNA position 25, G replaced by T.
Protein change: p.Val9Phe; replaces valine 9 with phenylalanine.
Molecular consequence: missense variant. On other transcripts: 5 prime UTR variant (2), non-coding transcript variant (1), intron variant (4).
Genome position (GRCh38, 1-based): chr1:161,323,618, G>T. VCF-style: chr1-161323618-G-T. GRCh37 (hg19) VCF-style: chr1-161293408-G-T.
Other names: c.25G>T, p.Val9Phe (NM_001035511.3, NM_001035512.3, NM_001278172.3 and 2 more transcripts); c.-87G>T (NM_001407119.1); c.-205G>T (NM_001407120.1); c.21-4778G>T (NM_001407116.1, NM_001407121.1, NM_001407117.1); c.20+9193G>T (NM_001035513.3); short protein forms V9F.
Identifiers: ClinVar variation 938069 (VCV000938069.12), dbSNP rs774768866, ClinGen allele CA343359289.